The following is an entry in ClinVar:

ClinVar aggregate classification (germline): Uncertain significance (1 of 4 stars; one submission).

Conditions:
Gamma-aminobutyric acid transaminase deficiency (GABATD). Also called: GABA transaminase deficiency; Gamma aminobutyrate transaminase deficiency; 4 alpha aminobutyrate transaminase deficiency; GABA aminotransaminase deficiency. Identifiers: Orphanet 2066, MedGen C0342708, MONDO:0013166, OMIM 613163.

Submission:

Labcorp Genetics (formerly Invitae), Labcorp
Classification: Uncertain significance for Gamma-aminobutyric acid transaminase deficiency. Last evaluated: 2021-01-13. Review status: criteria provided, single submitter. Criteria: Invitae Variant Classification Sherloc (09022015). Collection method: clinical testing. Allele origin: germline.
Comment: Algorithms developed to predict the effect of missense changes on protein structure and function (SIFT, PolyPhen-2, Align-GVGD) all suggest that this variant is likely to be disruptive, but these predictions have not been confirmed by published functional studies and their clinical significance is uncertain. This variant has not been reported in the literature in individuals with ABAT-related conditions. This variant is not present in population databases (ExAC no frequency). This sequence change replaces alanine with proline at codon 246 of the ABAT protein (p.Ala246Pro). The alanine residue is highly conserved and there is a small physicochemical difference between alanine and proline. In summary, the available evidence is currently insufficient to determine the role of this variant in disease. Therefore, it has been classified as a Variant of Uncertain Significance.

NM_020686.6(ABAT):c.736G>C (p.Ala246Pro)

Gene: ABAT (4-aminobutyrate aminotransferase; plus strand). Cytogenetic location: 16p13.2.
Variant type: single nucleotide variant.
Coding change: c.736G>C on transcript NM_020686.6 (MANE Select); coding-DNA position 736, G replaced by C.
Protein change: p.Ala246Pro; replaces alanine 246 with proline.
Molecular consequence: missense variant.
Genome position (GRCh38, 1-based): chr16:8,768,893, G>C. VCF-style: chr16-8768893-G-C. GRCh37 (hg19) VCF-style: chr16-8862750-G-C.
Other names: c.736G>C, p.Ala246Pro (NM_000663.5, NM_001127448.2, NM_001386600.1 and 7 more transcripts); c.673G>C, p.Ala225Pro (NM_001386606.1, NM_001386607.1); c.643G>C, p.Ala215Pro (NM_001386608.1); c.601G>C, p.Ala201Pro (NM_001386610.1, NM_001386611.1); c.538G>C, p.Ala180Pro (NM_001386612.1, NM_001386613.1); c.490G>C, p.Ala164Pro (NM_001386614.1); c.832G>C, p.Ala278Pro (NM_001386615.1); short protein forms A246P, A180P, A201P, A215P, A225P, A278P, A164P.
Identifiers: ClinVar variation 1364511 (VCV001364511.8), dbSNP rs768632370, ClinGen allele CA394689007.